The following is an entry in ClinVar:

ClinVar aggregate classification (germline): Uncertain significance. Review status: criteria provided, multiple submitters, no conflicts (2 of 4 stars). 3 submissions from 3 submitters: Uncertain significance (3). Last evaluated 2023-12-27.

Conditions:
Cardiovascular phenotype. Identifiers: MedGen CN230736.

Allele frequency attached by ClinVar (database versions not stated): ExAC 0.00002; gnomAD exomes 0.00002; TOPMed 0.00003.
gnomAD v4.1: 38 of 1,613,946 alleles (0.0024%); highest among the groups gnomAD compares: Middle Eastern, 0.016%; no homozygotes.

Submissions (3):

Revvity Omics, Revvity
Classification: Uncertain significance. Last evaluated: 2023-12-27. Review status: criteria provided, single submitter. Criteria: ACMG Guidelines, 2015. Collection method: clinical testing. Allele origin: germline.

Ambry Genetics
Classification: Uncertain significance for Cardiovascular phenotype. Last evaluated: 2018-12-18. Review status: criteria provided, single submitter. Criteria: Ambry Variant Classification Scheme 2023. Collection method: clinical testing. Allele origin: germline.
Comment: The p.R2271C variant (also known as c.6811C>T), located in coding exon 28 of the TTN gene, results from a C to T substitution at nucleotide position 6811. The arginine at codon 2271 is replaced by cysteine, an amino acid with highly dissimilar properties. This amino acid position is highly conserved in available vertebrate species. In addition, the in silico prediction for this alteration is inconclusive. Since supporting evidence is limited at this time, the clinical significance of this alteration remains unclear.

Laboratory for Molecular Medicine, Mass General Brigham Personalized Medicine
Classification: Uncertain significance. Last evaluated: 2015-05-20. Review status: criteria provided, single submitter. Criteria: LMM Criteria. Collection method: clinical testing. Allele origin: germline. Observed: 1 variant allele.
Comment: The p.Arg2317Cys variant in TTN has not been previously reported in individuals with cardiomyopathy, but has been identified in 1/66722 European and 1/16510 Sou th Asian chromosomes by the Exome Aggregation Consortium (ExAC). Computational prediction tools and conservation analysis sugges t that this variant may impact the protein, though this information is not predi ctive enough to determine pathogenicity. In summary, the clinical significance o f the p.Arg2317Cys variant is uncertain.

NM_001267550.2(TTN):c.6949C>T (p.Arg2317Cys)

Genes: TTN (titin; minus strand), LOC126806433 (BRD4-independent group 4 enhancer GRCh37_chr2:179638309-179639508; plus strand). Cytogenetic location: 2q31.2.
Variant type: single nucleotide variant.
Coding change: c.6949C>T on transcript NM_001267550.2 (MANE Select); coding-DNA position 6949, C replaced by T.
Protein change: p.Arg2317Cys; replaces arginine 2317 with cysteine.
Molecular consequence: missense variant.
Genome position (GRCh38, 1-based): chr2:178,774,315, G>A on the plus strand (C>T on the coding strand, the complement: TTN is on the minus strand). VCF-style: chr2-178774315-G-A. GRCh37 (hg19) VCF-style: chr2-179639042-G-A.
Other names: c.6949C>T, p.Arg2317Cys (NM_001256850.1, NM_133379.5, NM_133378.4); c.6811C>T, p.Arg2271Cys (NM_003319.4, NM_133432.3, NM_133437.4); short protein forms R2317C, R2271C.
Identifiers: ClinVar variation 229520 (VCV000229520.10), dbSNP rs750101152, ClinGen allele CA2004934.